The following is an entry in ClinVar:

ClinVar aggregate classification (germline): Uncertain significance (1 of 4 stars; one submission).

Submission:

GeneDx
Classification: Uncertain significance. Last evaluated: 2025-07-30. Review status: criteria provided, single submitter. Criteria: GeneDx Variant Classification Process June 2021. Collection method: clinical testing. Allele origin: germline. Affected: yes.
Comment: Not observed at significant frequency in large population cohorts (gnomAD); Frameshift variant predicted to result in abnormal protein length as the last 99 amino acids are replaced with 25 different amino acids; Has not been previously published as pathogenic or benign to our knowledge

NM_001367873.1(SOX6):c.2190_2206del (p.Gln730fs)

Gene: SOX6 (SRY-box transcription factor 6; minus strand). Cytogenetic location: 11p15.2.
Variant type: Deletion.
Coding change: c.2190_2206del on transcript NM_001367873.1 (MANE Select); coding-DNA positions 2190 to 2206, 17 bases deleted (GCCTCAGATTCCAATCA).
Protein change: p.Gln730fs; shifts the reading frame from glutamine 730.
Molecular consequence: frameshift variant.
Genome position (GRCh38, 1-based): chr11:15,973,090-15,973,106, TGATTGGAATCTGAGGC deleted on the plus strand (GCCTCAGATTCCAATCA on the coding strand, the reverse complement: SOX6 is on the minus strand); deleting any 17 consecutive bases within chr11:15,973,090-15,973,108 gives the same sequence; the c. name uses the placement nearest the transcript's 3' end. VCF-style (leftmost placement, unchanged base first): chr11-15973089-GTGATTGGAATCTGAGGC-G. GRCh37 (hg19) VCF-style: chr11-15994635-GTGATTGGAATCTGAGGC-G.
Other names: c.2109_2125del, p.Gln703fs (NM_001145811.2, NM_017508.3); c.2190_2206del, p.Gln730fs (NM_001145819.2); c.2067_2083del, p.Gln689fs (NM_001367872.1); c.2130_2146del, p.Gln710fs (NM_033326.3); short protein forms Q689fs, Q703fs, Q710fs, Q730fs.
Identifiers: ClinVar variation 4690134 (VCV004690134.1).